The following is an entry in ClinVar:

ClinVar aggregate classification (germline): Pathogenic. Review status: reviewed by expert panel (3 of 4 stars). 17 submissions from 17 submitters: Pathogenic (1). 16 of the submissions do not count toward it. Last evaluated 2017-03-17.

Conditions:
CFTR-related disorder (CFTR-RD). Also called: CFTR-related disorders; CFTR-related condition. Identifiers: MedGen C5924204, MONDO:7770004.
Congenital bilateral aplasia of vas deferens from CFTR mutation (CBAVD). Identifiers: Orphanet 48, MedGen C0403814, MONDO:0010178, OMIM 277180. Disease mechanism: loss of function.
Cystic fibrosis (CF). Also called: MUCOVISCIDOSIS. Identifiers: Orphanet 586, MedGen C0010674, MONDO:0009061, OMIM 219700. Disease mechanism: loss of function.
Hereditary pancreatitis (PCTT). Also called: Hereditary chronic pancreatitis; PRSS1-Related Hereditary Pancreatitis. Identifiers: Orphanet 676, MedGen C0238339, MONDO:0008185, OMIM 167800.
Bronchiectasis with or without elevated sweat chloride 1 (BESC1). Also called: Cystic Fibrosis-Like Syndrome. Identifiers: Orphanet 60033, MedGen C2749757, MONDO:0008887, OMIM 211400.

Allele frequency attached by ClinVar (database versions not stated): gnomAD 0.00001 and 0.00004; gnomAD exomes 0.00001 and 0.00003; TOPMed 0.00001; ExAC 0.00004.
gnomAD v4.1: 23 of 1,614,140 alleles (0.0014%); highest among the groups gnomAD compares: Non-Finnish European, 0.0019%; no homozygotes.

Submissions (17):

CFTR2
Classification: Pathogenic for Cystic fibrosis. Last evaluated: 2017-03-17. Review status: reviewed by expert panel. Criteria: Sosnay PR et al. (Nat Genet 2013). Collection method: research. Allele origin: germline. Affected: yes. Study: CFTR2.

Natera, Inc.
Classification: Pathogenic for CFTR-related disorders. Last evaluated: 2025-12-19. Review status: criteria provided, single submitter. Criteria: Natera Variant Classification Schema (03/2026). Collection method: clinical testing. Allele origin: germline. Not counted in ClinVar's aggregate classification.
Comment: The c.1013C>T variant in CFTR is a missense variant predicted to cause substitution of threonine to isoleucine at amino acid 338. This variant is rare in the general population with a frequency below the threshold expected for the associated phenotype(s). This variant has been observed in one or more individuals affected with the associated recessive disease, as either homozygous or compound heterozygous with a second variant (PMID: 7543567, 30509709). Additionally, this variant has been observed to segregate in affected family members (PMID: 7543567). Computational prediction algorithms indicate this variant is likely to affect gene or protein function. Given the available evidence, this variant is classified as Pathogenic.

Labcorp Genetics (formerly Invitae), Labcorp
Classification: Pathogenic for Cystic fibrosis. Last evaluated: 2025-11-17. Review status: criteria provided, single submitter. Criteria: Invitae Variant Classification Sherloc (09022015). Collection method: clinical testing. Allele origin: germline. Not counted in ClinVar's aggregate classification.
Comment: This sequence change replaces threonine, which is neutral and polar, with isoleucine, which is neutral and non-polar, at codon 338 of the CFTR protein (p.Thr338Ile). This variant is present in population databases (rs77409459, gnomAD 0.006%). This missense change has been observed in individuals with clinical features of cystic fibrosis (PMID: 7505693, 9554753, 21520337). ClinVar contains an entry for this variant (Variation ID: 7193). Invitae Evidence Modeling of protein sequence and biophysical properties (such as structural, functional, and spatial information, amino acid conservation, physicochemical variation, residue mobility, and thermodynamic stability) indicates that this missense variant is expected to disrupt CFTR protein function with a positive predictive value of 80%. Experimental studies have shown that this missense change affects CFTR function (PMID: 23891399, 23974870, 29805046). For these reasons, this variant has been classified as Pathogenic.

PreventionGenetics, part of Exact Sciences
Classification: Pathogenic for CFTR-related condition. Last evaluated: 2025-04-24. Review status: criteria provided, single submitter. Criteria: ACMG Guidelines, 2015. Collection method: clinical testing. Allele origin: germline. Not counted in ClinVar's aggregate classification.
Comment: The CFTR c.1013C>T variant is predicted to result in the amino acid substitution p.Thr338Ile. This variant has been reported to be causative for CFTR-related disorders (Castellani et al. 2008. PubMed ID: 18456578; Table S5, Steiner et al. 2011. PubMed ID: 21520337; Table S2, Sosnay et al. 2013. PubMed ID: 23974870). Functional studies showed that p.Thr338Ile substitution could impact normal protein function (Van Goor et al. 2014. PubMed ID: 23891399; Raraigh et al. 2018. PubMed ID: 29805046). This variant is reported in 0.0062% of alleles in individuals of European (Non-Finnish) descent in gnomAD. This variant is interpreted as pathogenic.

Fulgent Genetics
Classification: Pathogenic for Hereditary pancreatitis; Bronchiectasis with or without elevated sweat chloride 1; Cystic fibrosis; Congenital bilateral aplasia of vas deferens from CFTR mutation. Last evaluated: 2024-04-02. Review status: criteria provided, single submitter. Criteria: ACMG Guidelines, 2015. Collection method: clinical testing. Allele origin: germline. Not counted in ClinVar's aggregate classification.

Mayo Clinic Laboratories, Mayo Clinic
Classification: Pathogenic. Last evaluated: 2023-12-27. Review status: criteria provided, single submitter. Criteria: ACMG Guidelines, 2015. Collection method: clinical testing. Allele origin: germline. Observed: 1 variant allele. Not counted in ClinVar's aggregate classification.

Baylor Genetics
Classification: Pathogenic for Bronchiectasis with or without elevated sweat chloride 1. Last evaluated: 2023-08-14. Review status: criteria provided, single submitter. Criteria: ACMG Guidelines, 2015. Collection method: clinical testing. Allele origin: unknown. Not counted in ClinVar's aggregate classification.

Ambry Genetics
Classification: Pathogenic for Cystic fibrosis. Last evaluated: 2023-07-01. Review status: criteria provided, single submitter. Criteria: Ambry Variant Classification Scheme 2023. Collection method: clinical testing. Allele origin: germline. Not counted in ClinVar's aggregate classification.
Comment: The p.T338I pathogenic mutation (also known as c.1013C>T), located in coding exon 8 of the CFTR gene, results from a C to T substitution at nucleotide position 1013. The threonine at codon 338 is replaced by isoleucine, an amino acid with similar properties. This mutation was first described in two unrelated individuals, one with hyponatremia, hypochloremia, and metabolic alkalosis, and one with failure to thrive and poor weight gain. Both were reported as compound heterozygous for p.F508del (Saba L et al. Hum Mol Genet. 1993;2(10):1739-40). In one study, p.T338I was found in three individuals with congenital bilateral absence of the vas deferens (CBAVD) who were also reported as compound heterozygous for another pathogenic CFTR mutation (Steiner B et al. Hum Mutat. 2011;32(8):912-20). One functional study found that this mutation produces about 54-57% of normal mature CFTR mRNA and is responsible for less than 10% of baseline chloride transport as compared to wildtype (Van Goor F et al. J. Cyst. Fibros. 2014; 13(1):29-36). Another study reported this mutation to result in currents about 6.4% of wildtype in bronchial epithelial cell lines (Raraigh KS et al. Am. J. Hum. Genet. 2018;102(6):1062-1077). This pathogenic mutation is associated with elevated sweat chloride levels, pancreatic sufficiency, and higher rate of Pseudomonas infection (Sosnay PR et al . Nat Genet. 2013;45(10):1160-7). Based on the supporting evidence, this alteration is interpreted as a disease-causing mutation.

Clinical Genetics Laboratory, Skane University Hospital Lund
Classification: Pathogenic. Last evaluated: 2023-06-13. Review status: criteria provided, single submitter. Criteria: ACMG Guidelines, 2015. Collection method: clinical testing. Allele origin: germline. Affected: yes. Not counted in ClinVar's aggregate classification.

Blueprint Genetics
Classification: Pathogenic for CFTR-related disorders. Last evaluated: 2023-01-24. Review status: criteria provided, single submitter. Criteria: ACMG Guidelines, 2015. Collection method: clinical testing. Allele origin: germline. Affected: yes. Observed: 2 variant alleles. Not counted in ClinVar's aggregate classification.

Johns Hopkins Genomics, Johns Hopkins University
Classification: Pathogenic for Cystic fibrosis. Last evaluated: 2020-04-24. Review status: criteria provided, single submitter. Criteria: ACMG Guidelines, 2015. Collection method: clinical testing. Allele origin: germline. Not counted in ClinVar's aggregate classification.
Comment: Disease-causing CFTR variant. See CFTR2 for phenotype information.

Myriad Genetics, Inc.
Classification: Pathogenic for Cystic fibrosis. Last evaluated: 2019-12-07. Review status: criteria provided, single submitter. Criteria: Myriad Women's Health Autosomal Recessive and X-Linked Classification Criteria (2019). Collection method: clinical testing. Allele origin: unknown. Not counted in ClinVar's aggregate classification.
Comment: NM_000492.3(CFTR):c.1013C>T(T338I) is classified as pathogenic in the context of cystic fibrosis and is associated with the non-classic form of disease. Sources cited for classification include the following: PMID 18456578 and 23974870. Classification of NM_000492.3(CFTR):c.1013C>T(T338I) is based on the following criteria: This is a well-established pathogenic variant in the literature that has been observed more frequently in patients with clinical diagnoses than in healthy populations. Please note: this variant was assessed in the context of healthy population screening.

CFTR-France
Classification: Pathogenic for CFTR-related disorders. Last evaluated: 2018-01-29. Review status: criteria provided, single submitter. Criteria: Claustres M et al. (Hum Mutat 2017). Collection method: curation. Allele origin: germline. Affected: yes. Not counted in ClinVar's aggregate classification.

ARUP Laboratories, Molecular Genetics and Genomics, ARUP Laboratories
Classification: Pathogenic. Last evaluated: 2017-03-17. Review status: criteria provided, single submitter. Criteria: ARUP Molecular Germline Variant Investigation Process. Collection method: clinical testing. Allele origin: germline. Not counted in ClinVar's aggregate classification.

Women's Health and Genetics/Laboratory Corporation of America, LabCorp
Classification: Pathogenic for Cystic fibrosis. Last evaluated: 2017-02-23. Review status: criteria provided, single submitter. Criteria: LabCorp Variant Classification Summary - May 2015. Collection method: clinical testing. Allele origin: germline. Not counted in ClinVar's aggregate classification.
Comment: Variant summary: The CFTR c.1013C>T (p.Thr338Ile) variant involves the alteration of a conserved nucleotide. 5/5 in silico tools predict a damaging outcome for this variant. This variant was found in 5/121336 control chromosomes at a frequency of 0.0000412, which does not exceed the estimated maximal expected allele frequency of a pathogenic CFTR variant (0.0129603). The variant has been reported in numerous affected individuals in the literature, and has been shown to result in <10% chloride conductance compared to WT. In addition, multiple clinical diagnostic laboratories/reputable databases classified this variant as pathogenic. Taken together, this variant is classified as pathogenic.

Clinical Genetics and Genomics, Karolinska University Hospital
Classification: Pathogenic. Last evaluated: 2014-10-24. Review status: criteria provided, single submitter. Criteria: ACMG Guidelines, 2015. Collection method: clinical testing. Allele origin: germline. Affected: yes. Observed: 1 variant allele. Not counted in ClinVar's aggregate classification.

OMIM
Classification: Pathogenic for CYSTIC FIBROSIS. Last evaluated: 1995-08-01. Review status: no assertion criteria provided. Collection method: literature only. Allele origin: germline. Not counted in ClinVar's aggregate classification.

Literature cited by the submitters: PubMed 7543567 (cited by Natera, Inc. and OMIM); PubMed 30509709 (cited by Natera, Inc.); PubMed 7505693 (cited by Labcorp Genetics (formerly Invitae), Labcorp and Ambry Genetics); PubMed 9554753 (cited by Labcorp Genetics (formerly Invitae), Labcorp); PubMed 21520337 (cited by Labcorp Genetics (formerly Invitae), Labcorp and Ambry Genetics); PubMed 23891399 (cited by 3 submitters); PubMed 23974870 (cited by 3 submitters); PubMed 29805046 (cited by Labcorp Genetics (formerly Invitae), Labcorp); PubMed 18456578 (cited by Myriad Genetics, Inc.).

NM_000492.4(CFTR):c.1013C>T (p.Thr338Ile)

Gene: CFTR (CF transmembrane conductance regulator; plus strand). Cytogenetic location: 7q31.2.
Variant type: single nucleotide variant.
Coding change: c.1013C>T on transcript NM_000492.4 (MANE Select); coding-DNA position 1013, C replaced by T.
Protein change: p.Thr338Ile; replaces threonine 338 with isoleucine.
Molecular consequence: missense variant.
Genome position (GRCh38, 1-based): chr7:117,540,243, C>T. VCF-style: chr7-117540243-C-T. GRCh37 (hg19) VCF-style: chr7-117180297-C-T.
Other names: short protein forms T338I.
Identifiers: ClinVar variation 7193 (VCV000007193.32), dbSNP rs77409459, ClinGen allele CA325581.
Genomic context (GRCh38, chr7:117,540,243, plus strand): 5'-TGTTTTTATCTGTGCTTCCCTATGCACTAATCAAAGGAATCATCCTCCGGAAAATATTCA[C>T]CACCATCTCATTCTGCATTGTTCTGCGCATGGCGGTCACTCGGCAATTTCCCTGGGCTGT-3'
Protein context (NP_000483.3, residues 328-348): IKGIILRKIF[Thr338Ile]TISFCIVLRM